The following is an entry in ClinVar:

NM_006904.7(PRKDC):c.196C>T (p.Leu66Phe)

Gene: PRKDC (protein kinase, DNA-activated, catalytic subunit; minus strand). Cytogenetic location: 8q11.21.
Variant type: single nucleotide variant.
Coding change: c.196C>T on transcript NM_006904.7 (MANE Select); coding-DNA position 196, C replaced by T.
Protein change: p.Leu66Phe; replaces leucine 66 with phenylalanine.
Molecular consequence: missense variant.
Genome position (GRCh38, 1-based): chr8:47,957,390, G>A on the plus strand (C>T on the coding strand, the complement: PRKDC is on the minus strand). VCF-style: chr8-47957390-G-A. GRCh37 (hg19) VCF-style: chr8-48869950-G-A.
Other names: c.196C>T, p.Leu66Phe (NM_001081640.2); short protein forms L66F.
Identifiers: ClinVar variation 1783584 (VCV001783584.2), dbSNP rs2551882386, ClinGen allele CA371141585.

ClinVar aggregate classification (germline): Uncertain significance (1 of 4 stars; one submission).

Allele frequency attached by ClinVar (database versions not stated): gnomAD exomes below 0.00001.
gnomAD v4.1: 1 of 1,596,534 alleles (0.000063%); highest among the groups gnomAD compares: Non-Finnish European, 0.000085%; no homozygotes.

Submission:

Ambry Genetics
Classification: Uncertain significance. Last evaluated: 2022-06-28. Review status: criteria provided, single submitter. Criteria: Ambry Variant Classification Scheme 2023. Collection method: clinical testing. Allele origin: germline.
Comment: The p.L66F variant (also known as c.196C>T), located in coding exon 2 of the PRKDC gene, results from a C to T substitution at nucleotide position 196. The leucine at codon 66 is replaced by phenylalanine, an amino acid with highly similar properties. This amino acid position is conserved. In addition, this alteration is predicted to be tolerated by in silico analysis. Since supporting evidence is limited at this time, the clinical significance of this alteration remains unclear.